The following is an entry in ClinVar:

ClinVar aggregate classification (germline): Conflicting classifications of pathogenicity. Review status: criteria provided, conflicting classifications (1 of 4 stars). 2 submissions from 2 submitters: Likely pathogenic (1); Uncertain significance (1). Last evaluated 2018-07-02.

Conditions:
Inborn genetic diseases. Identifiers: MedGen C0950123, MeSH D030342.

Allele frequency attached by ClinVar (database versions not stated): gnomAD exomes below 0.00001 and 0.00002; TOPMed 0.00001; gnomAD 0.00003.
gnomAD v4.1: 13 of 1,614,082 alleles (0.00081%); highest among the groups gnomAD compares: African/African-American, 0.0067%; no homozygotes.

Submissions (2):

Ambry Genetics
Classification: Uncertain significance for Inborn genetic diseases. Last evaluated: 2018-07-02. Review status: criteria provided, single submitter. Criteria: Ambry exome assertion method (8-5-2015). Collection method: clinical testing. Allele origin: germline. Affected: yes. Observed: 1 variant allele.

GeneDx
Classification: Likely pathogenic. Last evaluated: 2015-07-28. Review status: criteria provided, single submitter. Criteria: GeneDx Variant Classification (06012015). Collection method: clinical testing. Allele origin: germline. Affected: yes.
Comment: The R351H variant has not been published as a mutation, nor has it been reported as a benign polymorphism. The R351H missense change is a conservative amino acid substitution, which is not likely to impact secondary protein structure as these residues share similar properties. This substitution occurs at a position that is conserved across species, and in silico analysis predicts this variant is probably damaging to the protein structure/function. Additionally, several in-silico splice prediction models predict that the c.1052 G>A nucleotide substitution, responsible for R351H, damages the natural splice acceptor site for intron 6, which may lead to abnormal gene splicing. However, in the absence of RNA/functional studies, the actual effect of this sequence change in this individual is unknown. Therefore, this variant is a strong candidate for a pathogenic mutation, however the possibility that it is a benign variant cannot be excluded.

NM_020745.4(AARS2):c.1052G>A (p.Arg351His)

Gene: AARS2 (alanyl-tRNA synthetase 2, mitochondrial; minus strand). Cytogenetic location: 6p21.1.
Variant type: single nucleotide variant.
Coding change: c.1052G>A on transcript NM_020745.4 (MANE Select); coding-DNA position 1052, G replaced by A.
Protein change: p.Arg351His; replaces arginine 351 with histidine.
Molecular consequence: missense variant.
Genome position (GRCh38, 1-based): chr6:44,307,020, C>T on the plus strand (G>A on the coding strand, the complement: AARS2 is on the minus strand). VCF-style: chr6-44307020-C-T. GRCh37 (hg19) VCF-style: chr6-44274757-C-T.
Other names: p.R351H:CGT>CAT; short protein forms R351H.
Identifiers: ClinVar variation 213965 (VCV000213965.5), dbSNP rs863223862, ClinGen allele CA324011.